The following is an entry in ClinVar:

ClinVar aggregate classification (germline): Pathogenic (1 of 4 stars; one submission).

Submission:

Labcorp Genetics (formerly Invitae), Labcorp
Classification: Pathogenic. Last evaluated: 2026-01-25. Review status: criteria provided, single submitter. Criteria: Invitae Variant Classification Sherloc (09022015). Collection method: clinical testing. Allele origin: germline.
Comment: This sequence change creates a premature translational stop signal (p.Arg88Alafs*6) in the LOX gene. It is expected to result in an absent or disrupted protein product. Loss-of-function variants in LOX are known to be pathogenic (PMID: 12417550, 26838787, 27432961). This variant is not present in population databases (gnomAD no frequency). This variant has not been reported in the literature in individuals affected with LOX-related conditions. For these reasons, this variant has been classified as Pathogenic.

Literature cited by the submitters: PubMed 12417550; PubMed 26838787; PubMed 27432961.

NM_002317.7(LOX):c.262del (p.Arg88fs)

Genes: LOX (lysyl oxidase; minus strand), SRFBP1 (serum response factor binding protein 1; plus strand). Cytogenetic location: 5q23.1.
Variant type: Deletion.
Coding change: c.262del on transcript NM_002317.7 (MANE Select); coding-DNA position 262, one base deleted (C; older notation c.262delC).
Protein change: p.Arg88fs; shifts the reading frame from arginine 88.
Molecular consequence: frameshift variant.
Genome position (GRCh38, 1-based): chr5:122,077,724, G deleted on the plus strand (C on the coding strand, the reverse complement: LOX is on the minus strand); the first of 4 consecutive G bases (chr5:122,077,724-122,077,727); deleting any one gives the same sequence. VCF-style (leftmost placement, unchanged base first): chr5-122077723-CG-C. GRCh37 (hg19) VCF-style: chr5-121413418-CG-C.
Other names: short protein forms R88fs.
Identifiers: ClinVar variation 4724759 (VCV004724759.1).